The following is an entry in ClinVar:

ClinVar aggregate classification (germline): Uncertain significance (1 of 4 stars; one submission).

Conditions:
Inborn genetic diseases. Identifiers: MedGen C0950123, MeSH D030342.

Submission:

Ambry Genetics
Classification: Uncertain significance for Inborn genetic diseases. Last evaluated: 2017-06-27. Review status: criteria provided, single submitter. Criteria: Ambry Variant Classification Scheme 2023. Collection method: clinical testing. Allele origin: germline.
Comment: The c.712_715delAATGinsT variant (also known as p.N238_A239delinsS), located in coding exon 4 of the SERPING1 gene, results from an in-frame deletion of AATG and insertion of T at nucleotide positions 712 to 715. This results in the deletion of a asparagine and alanine residue at codons 238 and 239 and an insertion of a serine residue. Based on available evidence to date, the clinical significance of this alteration remains unclear.

NM_000062.3(SERPING1):c.712_715delinsT (p.Asn238_Ala239delinsSer)

Gene: SERPING1 (serpin family G member 1; plus strand). Cytogenetic location: 11q12.1.
Variant type: Indel.
Coding change: c.712_715delinsT on transcript NM_000062.3 (MANE Select); coding-DNA positions 712 to 715, AATG replaced by T.
Protein change: p.Asn238_Ala239delinsSer.
Molecular consequence: inframe indel.
Genome position (GRCh38, 1-based): chr11:57,606,036-57,606,039, AATG replaced by T. VCF-style: chr11-57606036-AATG-T. GRCh37 (hg19) VCF-style: chr11-57373509-AATG-T.
Other names: c.712_715delinsT, p.Asn238_Ala239delinsSer (NM_001032295.2).
Identifiers: ClinVar variation 1757276 (VCV001757276.2), dbSNP rs2495440439, ClinGen allele CA2580084325.